The following is an entry in ClinVar:

NM_000628.5(IL10RB):c.465T>C (p.Asn155=)

Genes: IFNAR2-IL10RB (IFNAR2-IL10RB readthrough; plus strand), IL10RB (interleukin 10 receptor subunit beta; plus strand). Cytogenetic location: 21q22.11.
Variant type: single nucleotide variant.
Coding change: c.465T>C on transcript NM_000628.5 (MANE Select); coding-DNA position 465, T replaced by C.
Protein change: p.Asn155=; no amino-acid change (asparagine 155 retained).
Molecular consequence: synonymous variant.
Genome position (GRCh38, 1-based): chr21:33,279,885, T>C. VCF-style: chr21-33279885-T-C. GRCh37 (hg19) VCF-style: chr21-34652190-T-C.
Other names: p.Asn155=.
Identifiers: ClinVar variation 537184 (VCV000537184.14), dbSNP rs138883237, ClinGen allele CA10006143.

ClinVar aggregate classification (germline): Benign. Review status: criteria provided, multiple submitters, no conflicts (2 of 4 stars). 3 submissions from 3 submitters: Benign (3). Last evaluated 2026-02-01.

Conditions:
Inflammatory bowel disease 25. Also called: Inflammatory bowel disease 25, early onset, autosomal recessive. Identifiers: Orphanet 238569, MedGen C2675508, MONDO:0012941, OMIM 612567.

Allele frequency attached by ClinVar (database versions not stated): ESP Exome Variant Server 0.00023; gnomAD exomes 0.00068 and 0.00313; gnomAD 0.00121 and 0.00128; 1000 Genomes Project 30x 0.00187; TOPMed 0.00192; 1000 Genomes Project 0.00200; ExAC 0.00224.
gnomAD v4.1: 1,175 of 1,614,016 alleles (0.073%); highest among the groups gnomAD compares: Admixed American, 1.7%; 10 homozygotes.

Submissions (3):

Labcorp Genetics (formerly Invitae), Labcorp
Classification: Benign for Inflammatory bowel disease 25. Last evaluated: 2026-02-01. Review status: criteria provided, single submitter. Criteria: Invitae Variant Classification Sherloc (09022015). Collection method: clinical testing. Allele origin: germline.

Mayo Clinic Laboratories, Mayo Clinic
Classification: Benign. Last evaluated: 2024-03-21. Review status: criteria provided, single submitter. Criteria: ACMG Guidelines, 2015. Collection method: clinical testing. Allele origin: germline. Observed: 4 variant alleles.
Comment: BS1, BS2, BP4, BP7

Breakthrough Genomics
Classification: Benign. Review status: criteria provided, single submitter. Criteria: ACMG Guidelines, 2015. Collection method: not provided. Allele origin: germline. Inheritance: Autosomal recessive inheritance. Affected: yes.